The following is an entry in ClinVar:

NM_138576.4(BCL11B):c.955C>G (p.Pro319Ala)

Gene: BCL11B (BCL11 transcription factor B; minus strand). Cytogenetic location: 14q32.2.
Variant type: single nucleotide variant.
Coding change: c.955C>G on transcript NM_138576.4 (MANE Select); coding-DNA position 955, C replaced by G.
Protein change: p.Pro319Ala; replaces proline 319 with alanine.
Molecular consequence: missense variant.
Genome position (GRCh38, 1-based): chr14:99,175,881, G>C on the plus strand (C>G on the coding strand, the complement: BCL11B is on the minus strand). VCF-style: chr14-99175881-G-C. GRCh37 (hg19) VCF-style: chr14-99642218-G-C.
Other names: c.952C>G, p.Pro318Ala (NM_001282237.2); c.739C>G, p.Pro247Ala (NM_001282238.2); c.742C>G, p.Pro248Ala (NM_022898.3); short protein forms P248A, P319A, P247A, P318A.
Identifiers: ClinVar variation 2866462 (VCV002866462.3), dbSNP rs1439916653, ClinGen allele CA390936421.

ClinVar aggregate classification (germline): Uncertain significance (1 of 4 stars; one submission).

Allele frequency attached by ClinVar (database versions not stated): gnomAD 0.00001.
gnomAD v4.1: 1 of 1,470,744 alleles (0.000068%); highest among the groups gnomAD compares: Non-Finnish European, 0.00009%; no homozygotes.

Submission:

Labcorp Genetics (formerly Invitae), Labcorp
Classification: Uncertain significance. Last evaluated: 2023-05-20. Review status: criteria provided, single submitter. Criteria: Invitae Variant Classification Sherloc (09022015). Collection method: clinical testing. Allele origin: germline.
Comment: In summary, the available evidence is currently insufficient to determine the role of this variant in disease. Therefore, it has been classified as a Variant of Uncertain Significance. This variant is not present in population databases (gnomAD no frequency). This variant has not been reported in the literature in individuals affected with BCL11B-related conditions. Advanced modeling of protein sequence and biophysical properties (such as structural, functional, and spatial information, amino acid conservation, physicochemical variation, residue mobility, and thermodynamic stability) has been performed at Invitae for this missense variant, however the output from this modeling did not meet the statistical confidence thresholds required to predict the impact of this variant on BCL11B protein function. This sequence change replaces proline, which is neutral and non-polar, with alanine, which is neutral and non-polar, at codon 319 of the BCL11B protein (p.Pro319Ala).